The following is an entry in ClinVar:

NM_145868.2(ANXA11):c.1180+5G>A

Gene: ANXA11 (annexin A11; minus strand). Cytogenetic location: 10q22.3.
Variant type: single nucleotide variant.
Coding change: c.1180+5G>A on transcript NM_145868.2 (MANE Select); 5 bases into the intron after coding-DNA position 1180, G replaced by A.
Molecular consequence: intron variant.
Genome position (GRCh38, 1-based): chr10:80,161,930, C>T on the plus strand (G>A on the coding strand, the complement: ANXA11 is on the minus strand). VCF-style: chr10-80161930-C-T. GRCh37 (hg19) VCF-style: chr10-81921686-C-T.
Other names: c.1180+5G>A (NM_145869.2, NM_001278408.2, NM_001278407.2 and 1 more transcripts); c.1081+5G>A (NM_001278409.2).
Identifiers: ClinVar variation 1492299 (VCV001492299.6), dbSNP rs2132378640, ClinGen allele CA2573145797.

ClinVar aggregate classification (germline): Uncertain significance (1 of 4 stars; one submission).

Submission:

Labcorp Genetics (formerly Invitae), Labcorp
Classification: Uncertain significance. Last evaluated: 2021-09-23. Review status: criteria provided, single submitter. Criteria: Invitae Variant Classification Sherloc (09022015). Collection method: clinical testing. Allele origin: germline.
Comment: In summary, the available evidence is currently insufficient to determine the role of this variant in disease. Therefore, it has been classified as a Variant of Uncertain Significance. Variants that disrupt the consensus splice site are a relatively common cause of aberrant splicing (PMID: 17576681, 9536098). Algorithms developed to predict the effect of sequence changes on RNA splicing suggest that this variant is not likely to affect RNA splicing. This variant has not been reported in the literature in individuals affected with ANXA11-related conditions. This variant is not present in population databases (ExAC no frequency). This sequence change falls in intron 11 of the ANXA11 gene. It does not directly change the encoded amino acid sequence of the ANXA11 protein. It affects a nucleotide within the consensus splice site of the intron.

Literature cited by the submitters: PubMed 17576681; PubMed 9536098.